The following is an entry in ClinVar:

ClinVar aggregate classification (germline): Uncertain significance (1 of 4 stars; one submission).

Conditions:
Lethal congenital glycogen storage disease of heart. Also called: GLYCOGEN STORAGE DISEASE OF HEART; PHOSPHORYLASE KINASE DEFICIENCY OF HEART. Identifiers: Orphanet 439854, MedGen C1849813, MONDO:0009867, OMIM 261740.

gnomAD v4.1: 1 of 1,414,512 alleles (0.000071%); highest among the groups gnomAD compares: African/African-American, 0.0015%; no homozygotes.

Submission:

Labcorp Genetics (formerly Invitae), Labcorp
Classification: Uncertain significance for Lethal congenital glycogen storage disease of heart. Last evaluated: 2024-12-12. Review status: criteria provided, single submitter. Criteria: Invitae Variant Classification Sherloc (09022015). Collection method: clinical testing. Allele origin: germline.
Comment: This sequence change replaces glutamic acid, which is acidic and polar, with lysine, which is basic and polar, at codon 247 of the PRKAG2 protein (p.Glu247Lys). This variant is not present in population databases (gnomAD no frequency). This variant has not been reported in the literature in individuals affected with PRKAG2-related conditions. ClinVar contains an entry for this variant (Variation ID: 1468182). Invitae Evidence Modeling of protein sequence and biophysical properties (such as structural, functional, and spatial information, amino acid conservation, physicochemical variation, residue mobility, and thermodynamic stability) indicates that this missense variant is not expected to disrupt PRKAG2 protein function with a negative predictive value of 95%. In summary, the available evidence is currently insufficient to determine the role of this variant in disease. Therefore, it has been classified as a Variant of Uncertain Significance.

NM_016203.4(PRKAG2):c.739G>A (p.Glu247Lys)

Genes: PRKAG2 (protein kinase AMP-activated non-catalytic subunit gamma 2; minus strand), LOC129999660 (ATAC-STARR-seq lymphoblastoid silent region 18823; plus strand). Cytogenetic location: 7q36.1.
Variant type: single nucleotide variant.
Coding change: c.739G>A on transcript NM_016203.4 (MANE Select); coding-DNA position 739, G replaced by A.
Protein change: p.Glu247Lys; replaces glutamic acid 247 with lysine.
Molecular consequence: missense variant.
Genome position (GRCh38, 1-based): chr7:151,632,084, C>T on the plus strand (G>A on the coding strand, the complement: PRKAG2 is on the minus strand). VCF-style: chr7-151632084-C-T. GRCh37 (hg19) VCF-style: chr7-151329170-C-T.
Other names: c.607G>A, p.Glu203Lys (NM_001040633.2); c.367G>A, p.Glu123Lys (NM_001304527.2, NM_001363698.2); c.16G>A, p.Glu6Lys (NM_001304531.2, NM_024429.2); short protein forms E247K, E123K, E203K, E6K.
Identifiers: ClinVar variation 1468182 (VCV001468182.8), dbSNP rs397517281, ClinGen allele CA370071186.